The following is an entry in ClinVar:

NM_000217.3(KCNA1):c.289C>A (p.Gln97Lys)

Gene: KCNA1 (potassium voltage-gated channel subfamily A member 1; plus strand). Cytogenetic location: 12p13.32.
Variant type: single nucleotide variant.
Coding change: c.289C>A on transcript NM_000217.3 (MANE Select); coding-DNA position 289, C replaced by A.
Protein change: p.Gln97Lys; replaces glutamine 97 with lysine.
Molecular consequence: missense variant.
Genome position (GRCh38, 1-based): chr12:4,911,667, C>A. VCF-style: chr12-4911667-C-A. GRCh37 (hg19) VCF-style: chr12-5020833-C-A.
Other names: short protein forms Q97K.
Identifiers: ClinVar variation 942661 (VCV000942661.10), dbSNP rs1166033590, ClinGen allele CA383454225.

ClinVar aggregate classification (germline): Uncertain significance. Review status: criteria provided, multiple submitters, no conflicts (2 of 4 stars). 2 submissions from 2 submitters: Uncertain significance (2). Last evaluated 2024-11-20.

Conditions:
Episodic ataxia type 1 (EA1). Also called: ATAXIA, EPISODIC, WITH MYOKYMIA; Episodic ataxia/myokymia syndrome; MYOKYMIA WITH PERIODIC ATAXIA; PAROXYSMAL ATAXIA WITH NEUROMYOTONIA, HEREDITARY. Identifiers: Orphanet 37612, Orphanet 972, MedGen C1719788, MONDO:0008047, OMIM 160120.

Allele frequency attached by ClinVar (database versions not stated): TOPMed below 0.00001; gnomAD 0.00001.
gnomAD v4.1: 1 of 1,614,190 alleles (0.000062%); no homozygotes.

Submissions (2):

GeneDx
Classification: Uncertain significance. Last evaluated: 2024-11-20. Review status: criteria provided, single submitter. Criteria: GeneDx Variant Classification Process June 2021. Collection method: clinical testing. Allele origin: germline. Affected: yes.
Comment: Not observed at significant frequency in large population cohorts (gnomAD); In silico analysis supports that this missense variant has a deleterious effect on protein structure/function; Has not been previously published as pathogenic or benign to our knowledge

Labcorp Genetics (formerly Invitae), Labcorp
Classification: Uncertain significance for Episodic ataxia type 1. Last evaluated: 2024-05-16. Review status: criteria provided, single submitter. Criteria: Invitae Variant Classification Sherloc (09022015). Collection method: clinical testing. Allele origin: germline.
Comment: This sequence change replaces glutamine, which is neutral and polar, with lysine, which is basic and polar, at codon 97 of the KCNA1 protein (p.Gln97Lys). This variant is not present in population databases (gnomAD no frequency). This variant has not been reported in the literature in individuals affected with KCNA1-related conditions. ClinVar contains an entry for this variant (Variation ID: 942661). Advanced modeling of protein sequence and biophysical properties (such as structural, functional, and spatial information, amino acid conservation, physicochemical variation, residue mobility, and thermodynamic stability) performed at Invitae indicates that this missense variant is expected to disrupt KCNA1 protein function with a positive predictive value of 80%. In summary, the available evidence is currently insufficient to determine the role of this variant in disease. Therefore, it has been classified as a Variant of Uncertain Significance.